The following is an entry in ClinVar:

ClinVar aggregate classification (germline): Likely benign. Review status: criteria provided, multiple submitters, no conflicts (2 of 4 stars). 2 submissions from 2 submitters: Likely benign (2). Last evaluated 2025-12-07.

Conditions:
Nemaline myopathy 10 (NEM10). Identifiers: MedGen C4015360, MONDO:0014513, OMIM 616165.

Allele frequency attached by ClinVar (database versions not stated): ExAC 0.00004; gnomAD exomes 0.00004 and 0.00008; gnomAD 0.00006; TOPMed 0.00006; ESP Exome Variant Server 0.00008.
gnomAD v4.1: 121 of 1,599,906 alleles (0.0076%); highest among the groups gnomAD compares: Non-Finnish European, 0.01%; no homozygotes.

Submissions (2):

Mayo Clinic Laboratories, Mayo Clinic
Classification: Likely benign. Last evaluated: 2025-12-07. Review status: criteria provided, single submitter. Criteria: ACMG Guidelines, 2015. Collection method: clinical testing. Allele origin: germline. Observed: 1 variant allele.
Comment: BP4, BP7

Labcorp Genetics (formerly Invitae), Labcorp
Classification: Likely benign for Nemaline myopathy 10. Last evaluated: 2025-04-17. Review status: criteria provided, single submitter. Criteria: Invitae Variant Classification Sherloc (09022015). Collection method: clinical testing. Allele origin: germline.

NM_198271.5(LMOD3):c.375T>C (p.Asn125=)

Gene: LMOD3 (leiomodin 3; minus strand). Cytogenetic location: 3p14.1.
Variant type: single nucleotide variant.
Coding change: c.375T>C on transcript NM_198271.5 (MANE Select); coding-DNA position 375, T replaced by C.
Protein change: p.Asn125=; no amino-acid change (asparagine 125 retained).
Molecular consequence: synonymous variant.
Genome position (GRCh38, 1-based): chr3:69,119,980, A>G on the plus strand (T>C on the coding strand, the complement: LMOD3 is on the minus strand). VCF-style: chr3-69119980-A-G. GRCh37 (hg19) VCF-style: chr3-69169131-A-G.
Other names: p.Asn125=; c.375T>C, p.Asn125= (NM_001304418.3).
Identifiers: ClinVar variation 542091 (VCV000542091.8), dbSNP rs375595641, ClinGen allele CA2489001.